The following is an entry in ClinVar:

ClinVar aggregate classification (germline): Likely benign. Review status: criteria provided, multiple submitters, no conflicts (2 of 4 stars). 4 submissions from 4 submitters: Likely benign (4). Last evaluated 2025-11-08.

Conditions:
Inborn genetic diseases. Identifiers: MedGen C0950123, MeSH D030342.
Progressive myoclonic epilepsy. Also called: Familial progressive myoclonic epilepsy; Myoclonus epilepsy; Progressive myoclonus epilepsy; Myoclonic Epilepsies, Progressive. Identifiers: Orphanet 308, Orphanet 98261, MedGen C0751778, MONDO:0020074.

Allele frequency attached by ClinVar (database versions not stated): TOPMed 0.00014; ExAC 0.00022; gnomAD exomes 0.00025.
gnomAD v4.1: 227 of 1,614,130 alleles (0.014%); highest among the groups gnomAD compares: Admixed American, 0.0033%; 1 homozygote.

Submissions (4):

Labcorp Genetics (formerly Invitae), Labcorp
Classification: Likely benign for Progressive myoclonic epilepsy. Last evaluated: 2025-11-08. Review status: criteria provided, single submitter. Criteria: Invitae Variant Classification Sherloc (09022015). Collection method: clinical testing. Allele origin: germline.

Mayo Clinic Laboratories, Mayo Clinic
Classification: Likely benign. Last evaluated: 2025-06-20. Review status: criteria provided, single submitter. Criteria: ACMG Guidelines, 2015. Collection method: clinical testing. Allele origin: germline. Observed: 4 variant alleles.
Comment: BS1, BP4, BP7

GeneDx
Classification: Likely benign. Last evaluated: 2021-01-07. Review status: criteria provided, single submitter. Criteria: GeneDx Variant Classification Process June 2021. Collection method: clinical testing. Allele origin: germline. Affected: yes.

Ambry Genetics
Classification: Likely benign for Inborn genetic diseases. Last evaluated: 2017-10-11. Review status: criteria provided, single submitter. Criteria: Ambry Variant Classification Scheme 2023. Collection method: clinical testing. Allele origin: germline.

NM_005670.4(EPM2A):c.876G>A (p.Val292=)

Gene: EPM2A (EPM2A glucan phosphatase, laforin; minus strand). Cytogenetic location: 6q24.3.
Variant type: single nucleotide variant.
Coding change: c.876G>A on transcript NM_005670.4 (MANE Select); coding-DNA position 876, G replaced by A.
Protein change: p.Val292=; no amino-acid change (valine 292 retained).
Molecular consequence: synonymous variant. On other transcripts: missense variant (1), non-coding transcript variant (1).
Genome position (GRCh38, 1-based): chr6:145,627,536, C>T on the plus strand (G>A on the coding strand, the complement: EPM2A is on the minus strand). VCF-style: chr6-145627536-C-T. GRCh37 (hg19) VCF-style: chr6-145948672-C-T.
Other names: p.Val292=; c.876G>A, p.Val292= (NM_001018041.2); c.634G>A, p.Ala212Thr (NM_001360057.2); c.462G>A, p.Val154= (NM_001360064.2, NM_001360071.2, NM_001368131.1); c.414G>A, p.Val138= (NM_001368129.2, NM_001368132.1); short protein forms A212T.
Identifiers: ClinVar variation 391537 (VCV000391537.54), dbSNP rs774234576, ClinGen allele CA4035053.